The following is an entry in ClinVar:

ClinVar aggregate classification (germline): Uncertain significance (1 of 4 stars; one submission).

Conditions:
Cardiovascular phenotype. Identifiers: MedGen CN230736.
Hereditary cancer-predisposing syndrome. Also called: Neoplastic Syndromes, Hereditary; Tumor predisposition; Hereditary Cancer Syndrome; Hereditary neoplastic syndrome. Identifiers: Orphanet 140162, MedGen C0027672, MeSH D009386, MONDO:0015356.

gnomAD v4.1: 5 of 1,573,058 alleles (0.00032%); highest among the groups gnomAD compares: South Asian, 0.0046%; no homozygotes.

Submission:

Ambry Genetics
Classification: Uncertain significance for Cardiovascular phenotype; Hereditary cancer-predisposing syndrome. Last evaluated: 2026-04-02. Review status: criteria provided, single submitter. Criteria: Ambry Variant Classification Scheme 2023. Collection method: clinical testing. Allele origin: germline.
Comment: The c.1260+5G>T intronic variant results from a G to T substitution 5 nucleotides after coding exon 11 in the LZTR1 gene. This nucleotide position is highly conserved in available vertebrate species. In silico splice site analysis predicts that this alteration may result in the creation or strengthening of a novel splice donor site; however, direct evidence is insufficient at this time (Ambry internal data). Based on the available evidence, the clinical significance of this variant remains unclear.

NM_006767.4(LZTR1):c.1260+5G>T

Gene: LZTR1 (leucine zipper like post translational regulator 1; plus strand). Cytogenetic location: 22q11.21.
Variant type: single nucleotide variant.
Coding change: c.1260+5G>T on transcript NM_006767.4 (MANE Select); 5 bases into the intron after coding-DNA position 1260, G replaced by T.
Molecular consequence: intron variant.
Genome position (GRCh38, 1-based): chr22:20,992,909, G>T. VCF-style: chr22-20992909-G-T. GRCh37 (hg19) VCF-style: chr22-21347198-G-T.
Identifiers: ClinVar variation 4859358 (VCV004859358.1).